The following is an entry in ClinVar:

NM_012330.4(KAT6B):c.2658_2659del (p.Gln886fs)

Gene: KAT6B (lysine acetyltransferase 6B; plus strand). Cytogenetic location: 10q22.2.
Variant type: Deletion.
Coding change: c.2658_2659del on transcript NM_012330.4 (MANE Select); coding-DNA positions 2658 to 2659, 2 bases deleted (AG; older notation c.2658_2659delAG).
Protein change: p.Gln886fs; shifts the reading frame from glutamine 886.
Molecular consequence: frameshift variant.
Genome position (GRCh38, 1-based): chr10:75,020,610-75,020,611, AG deleted. VCF-style (leftmost placement, unchanged base first): chr10-75020609-AAG-A. GRCh37 (hg19) VCF-style: chr10-76780367-AAG-A.
Other names: c.2109_2110del, p.Gln703fs (NM_001256468.2, NM_001370138.1); c.1782_1783del, p.Gln594fs (NM_001256469.2, NM_001370139.1, NM_001370140.1 and 2 more transcripts); c.1620_1621del, p.Gln540fs (NM_001370132.1); c.969_970del, p.Gln323fs (NM_001370133.1); c.573_574del, p.Gln191fs (NM_001370134.1); c.315_316del, p.Gln105fs (NM_001370135.1); c.2658_2659del, p.Gln886fs (NM_001370136.1, NM_001370137.1); c.1593_1594del, p.Gln531fs (NM_001370143.1, NM_001370144.1); short protein forms Q105fs, Q191fs, Q323fs, Q531fs, Q540fs, Q594fs, Q703fs, Q886fs.
Identifiers: ClinVar variation 1708337 (VCV001708337.2), dbSNP rs2549160371, ClinGen allele CA2580081957.

ClinVar aggregate classification (germline): Likely pathogenic (1 of 4 stars; one submission).

Submission:

Centre of Medical Genetics, University Hospital Muenster
Classification: Likely pathogenic. Last evaluated: 2021-12-10. Review status: criteria provided, single submitter. Criteria: ACMG Guidelines, 2015. Collection method: clinical testing. Allele origin: unknown. Affected: yes. Observed: 1 variant allele, 1 heterozygote.
Comment: ACMG categories: PVS1,PM2